The following is an entry in ClinVar:

ClinVar aggregate classification (germline): Uncertain significance (1 of 4 stars; one submission).

Conditions:
Cardiovascular phenotype. Identifiers: MedGen CN230736.

gnomAD v4.1: 3 of 1,550,230 alleles (0.00019%); highest among the groups gnomAD compares: African/African-American, 0.0027%; no homozygotes.

Submission:

Ambry Genetics
Classification: Uncertain significance for Cardiovascular phenotype. Last evaluated: 2025-04-12. Review status: criteria provided, single submitter. Criteria: Ambry Variant Classification Scheme 2023. Collection method: clinical testing. Allele origin: germline.
Comment: The p.G2378R variant (also known as c.7132G>A), located in coding exon 2 of the ZNF469 gene, results from a G to A substitution at nucleotide position 7132. The glycine at codon 2378 is replaced by arginine, an amino acid with dissimilar properties. This amino acid position is conserved. In addition, this alteration is predicted to be tolerated by in silico analysis. Based on the available evidence, the clinical significance of this variant remains unclear.

NM_001367624.2(ZNF469):c.7216G>A (p.Gly2406Arg)

Gene: ZNF469 (zinc finger protein 469; plus strand). Cytogenetic location: 16q24.2.
Variant type: single nucleotide variant.
Coding change: c.7216G>A on transcript NM_001367624.2 (MANE Select); coding-DNA position 7216, G replaced by A.
Protein change: p.Gly2406Arg; replaces glycine 2406 with arginine.
Molecular consequence: missense variant.
Genome position (GRCh38, 1-based): chr16:88,434,686, G>A. VCF-style: chr16-88434686-G-A. GRCh37 (hg19) VCF-style: chr16-88501094-G-A.
Other names: NM_001127464.1:c.7132G>A; short protein forms G2406R.
Identifiers: ClinVar variation 3821192 (VCV003821192.2).